The following is an entry in ClinVar:

ClinVar aggregate classification (germline): Uncertain significance. Review status: criteria provided, multiple submitters, no conflicts (2 of 4 stars). 2 submissions from 2 submitters: Uncertain significance (2). Last evaluated 2024-09-25.

Allele frequency attached by ClinVar (database versions not stated): ExAC 0.00001; gnomAD 0.00001; gnomAD exomes 0.00001; TOPMed 0.00001.
gnomAD v4.1: 9 of 1,613,928 alleles (0.00056%); highest among the groups gnomAD compares: Non-Finnish European, 0.00076%; no homozygotes.

Submissions (2):

Ambry Genetics
Classification: Uncertain significance. Last evaluated: 2024-09-25. Review status: criteria provided, single submitter. Criteria: Ambry Variant Classification Scheme 2023. Collection method: clinical testing. Allele origin: germline.

Labcorp Genetics (formerly Invitae), Labcorp
Classification: Uncertain significance. Last evaluated: 2023-09-01. Review status: criteria provided, single submitter. Criteria: Invitae Variant Classification Sherloc (09022015). Collection method: clinical testing. Allele origin: germline.
Comment: In summary, the available evidence is currently insufficient to determine the role of this variant in disease. Therefore, it has been classified as a Variant of Uncertain Significance. An algorithm developed to predict the effect of missense changes on protein structure and function (PolyPhen-2) suggests that this variant is likely to be disruptive. This variant has not been reported in the literature in individuals affected with IGSF10-related conditions. This variant is present in population databases (rs768865681, gnomAD 0.0009%). This sequence change replaces threonine, which is neutral and polar, with isoleucine, which is neutral and non-polar, at codon 443 of the IGSF10 protein (p.Thr443Ile).

NM_178822.5(IGSF10):c.1328C>T (p.Thr443Ile)

Gene: IGSF10 (immunoglobulin superfamily member 10; minus strand). Cytogenetic location: 3q25.1.
Variant type: single nucleotide variant.
Coding change: c.1328C>T on transcript NM_178822.5 (MANE Select); coding-DNA position 1328, C replaced by T.
Protein change: p.Thr443Ile; replaces threonine 443 with isoleucine.
Molecular consequence: missense variant.
Genome position (GRCh38, 1-based): chr3:151,448,653, G>A on the plus strand (C>T on the coding strand, the complement: IGSF10 is on the minus strand). VCF-style: chr3-151448653-G-A. GRCh37 (hg19) VCF-style: chr3-151166441-G-A.
Other names: c.1328C>T, p.Thr443Ile (NM_001385060.1, NM_001385061.1, NM_001385062.1 and 1 more transcripts); c.1328C>T (NM_178822.4); short protein forms T443I.
Identifiers: ClinVar variation 2978744 (VCV002978744.4), dbSNP rs768865681, ClinGen allele CA2670568.